The following is an entry in ClinVar:

ClinVar aggregate classification (germline): Uncertain significance (1 of 4 stars; one submission).

Allele frequency attached by ClinVar (database versions not stated): gnomAD 0.00001; gnomAD exomes 0.00002.

Submission:

Labcorp Genetics (formerly Invitae), Labcorp
Classification: Uncertain significance. Last evaluated: 2024-05-08. Review status: criteria provided, single submitter. Criteria: Invitae Variant Classification Sherloc (09022015). Collection method: clinical testing. Allele origin: germline.
Comment: This variant, c.3_23dup, results in the insertion of 7 amino acid(s) of the RASA2 protein (p.Ala5_Ala11dup), but otherwise preserves the integrity of the reading frame. This variant is not present in population databases (gnomAD no frequency). This variant has not been reported in the literature in individuals affected with RASA2-related conditions. In summary, the available evidence is currently insufficient to determine the role of this variant in disease. Therefore, it has been classified as a Variant of Uncertain Significance.

NM_006506.5(RASA2):c.3_23dup (p.Ala11_Ser12insAlaProAlaAlaAlaAlaAla)

Genes: RASA2 (RAS p21 protein activator 2; plus strand), LOC129937686 (ATAC-STARR-seq lymphoblastoid silent region 14777; plus strand). Cytogenetic location: 3q23.
Variant type: Duplication.
Coding change: c.3_23dup on transcript NM_006506.5 (MANE Select); coding-DNA positions 3 to 23, 21 bases duplicated (GGCGGCGGCGGCGCCTGCTGC).
Protein change: p.Ala11_Ser12insAlaProAlaAlaAlaAlaAla.
Molecular consequence: inframe insertion, initiator codon variant.
Genome position (GRCh38, 1-based): chr3:141,487,086-141,487,106, GGCGGCGGCGGCGCCTGCTGC duplicated. VCF-style (leftmost placement, unchanged base first): chr3-141487085-T-TGGCGGCGGCGGCGCCTGCTGC. GRCh37 (hg19) VCF-style: chr3-141205927-T-TGGCGGCGGCGGCGCCTGCTGC.
Other names: c.3_23dup, p.Ala11_Ser12insAlaProAlaAlaAlaAlaAla (NM_001303245.3, NM_001303246.3).
Identifiers: ClinVar variation 3004664 (VCV003004664.3), dbSNP rs1553778411, ClinGen allele CA917022660.